The following is an entry in ClinVar:

NM_004588.5(SCN2B):c.457G>A (p.Glu153Lys)

Gene: SCN2B (sodium voltage-gated channel beta subunit 2; minus strand). Cytogenetic location: 11q23.3.
Variant type: single nucleotide variant.
Coding change: c.457G>A on transcript NM_004588.5 (MANE Select); coding-DNA position 457, G replaced by A.
Protein change: p.Glu153Lys; replaces glutamic acid 153 with lysine.
Molecular consequence: missense variant.
Genome position (GRCh38, 1-based): chr11:118,167,078, C>T on the plus strand (G>A on the coding strand, the complement: SCN2B is on the minus strand). VCF-style: chr11-118167078-C-T. GRCh37 (hg19) VCF-style: chr11-118037793-C-T.
Other names: short protein forms E153K.
Identifiers: ClinVar variation 1741629 (VCV001741629.5), dbSNP rs376778056, ClinGen allele CA6300430.
Genomic context (GRCh38, chr11:118,167,078, plus strand): 5'-CCACAGCCAGGAAGCCCCCGACGGAGGCACCCACAATCACGGCCACCGTGGAGTCCCGCT[C>T]AGGGGGCTCTGGAAAGGAAGCAGAGCCACTGAGCACCAGGGCTGGGAAAGGGGCCTCCCC-3'
Protein context (NP_004579.1, residues 143-163): HLQVLMEEPP[Glu153Lys]RDSTVAVIVG

ClinVar aggregate classification (germline): Uncertain significance. Review status: criteria provided, multiple submitters, no conflicts (2 of 4 stars). 2 submissions from 2 submitters: Uncertain significance (2). Last evaluated 2025-07-25.

Conditions:
Atrial fibrillation, familial, 14 (ATFB14). Identifiers: MedGen C3809312, MONDO:0014156, OMIM 615378.
Cardiovascular phenotype. Identifiers: MedGen CN230736.

Allele frequency attached by ClinVar (database versions not stated): TOPMed 0.00001; ESP Exome Variant Server 0.00008.

Submissions (2):

Labcorp Genetics (formerly Invitae), Labcorp
Classification: Uncertain significance for Atrial fibrillation, familial, 14. Last evaluated: 2025-07-25. Review status: criteria provided, single submitter. Criteria: Invitae Variant Classification Sherloc (09022015). Collection method: clinical testing. Allele origin: germline.
Comment: This sequence change replaces glutamic acid, which is acidic and polar, with lysine, which is basic and polar, at codon 153 of the SCN2B protein (p.Glu153Lys). This variant is present in population databases (rs376778056, gnomAD 0.004%). This variant has not been reported in the literature in individuals affected with SCN2B-related conditions. ClinVar contains an entry for this variant (Variation ID: 1741629). An algorithm developed to predict the effect of missense changes on protein structure and function (PolyPhen-2) suggests that this variant is likely to be tolerated. In summary, the available evidence is currently insufficient to determine the role of this variant in disease. Therefore, it has been classified as a Variant of Uncertain Significance.

Ambry Genetics
Classification: Uncertain significance for Cardiovascular phenotype. Last evaluated: 2022-08-20. Review status: criteria provided, single submitter. Criteria: Ambry Variant Classification Scheme 2023. Collection method: clinical testing. Allele origin: germline.
Comment: The p.E153K variant (also known as c.457G>A), located in coding exon 4 of the SCN2B gene, results from a G to A substitution at nucleotide position 457. The glutamic acid at codon 153 is replaced by lysine, an amino acid with similar properties. This amino acid position is conserved. In addition, the in silico prediction for this alteration is inconclusive. Since supporting evidence is limited at this time, the clinical significance of this alteration remains unclear.